The following is an entry in ClinVar:

ClinVar aggregate classification (germline): Uncertain significance. Review status: criteria provided, multiple submitters, no conflicts (2 of 4 stars). 3 submissions from 3 submitters: Uncertain significance (3). Last evaluated 2026-08-03.

Conditions:
CNGB1-related disorder. Also called: CNGB1-related condition.

Allele frequency attached by ClinVar (database versions not stated): ExAC 0.00002; 1000 Genomes Project 0.00020; 1000 Genomes Project 30x 0.00031.
gnomAD v4.1: 83 of 1,611,030 alleles (0.0052%); highest among the groups gnomAD compares: Non-Finnish European, 0.0061%; no homozygotes.

Submissions (3):

PreventionGenetics, part of Exact Sciences
Classification: Uncertain significance for CNGB1-related condition. Last evaluated: 2026-08-03. Review status: criteria provided, single submitter. Criteria: ACMG Guidelines, 2015. Collection method: clinical testing. Allele origin: germline.
Comment: The CNGB1 c.3559C>T variant is predicted to result in the amino acid substitution p.Arg1187Trp. To our knowledge, this variant has not been reported in the literature. This variant is reported in 0.0047% of alleles in individuals of European (Non-Finnish) descent in gnomAD. At this time, the clinical significance of this variant is uncertain due to the absence of conclusive functional and genetic evidence.

Blueprint Genetics
Classification: Uncertain significance. Last evaluated: 2024-07-08. Review status: criteria provided, single submitter. Criteria: ACMG Guidelines, 2015. Collection method: clinical testing. Allele origin: germline.

Labcorp Genetics (formerly Invitae), Labcorp
Classification: Uncertain significance. Last evaluated: 2022-11-28. Review status: criteria provided, single submitter. Criteria: Invitae Variant Classification Sherloc (09022015). Collection method: clinical testing. Allele origin: germline.
Comment: This sequence change replaces arginine, which is basic and polar, with tryptophan, which is neutral and slightly polar, at codon 1187 of the CNGB1 protein (p.Arg1187Trp). In summary, the available evidence is currently insufficient to determine the role of this variant in disease. Therefore, it has been classified as a Variant of Uncertain Significance. Advanced modeling of protein sequence and biophysical properties (such as structural, functional, and spatial information, amino acid conservation, physicochemical variation, residue mobility, and thermodynamic stability) performed at Invitae indicates that this missense variant is not expected to disrupt CNGB1 protein function. This variant has not been reported in the literature in individuals affected with CNGB1-related conditions. This variant is present in population databases (rs564918974, gnomAD 0.004%).

NM_001297.5(CNGB1):c.3559C>T (p.Arg1187Trp)

Gene: CNGB1 (cyclic nucleotide gated channel subunit beta 1; minus strand). Cytogenetic location: 16q21.
Variant type: single nucleotide variant.
Coding change: c.3559C>T on transcript NM_001297.5 (MANE Select); coding-DNA position 3559, C replaced by T.
Protein change: p.Arg1187Trp; replaces arginine 1187 with tryptophan.
Molecular consequence: missense variant.
Genome position (GRCh38, 1-based): chr16:57,884,361, G>A on the plus strand (C>T on the coding strand, the complement: CNGB1 is on the minus strand). VCF-style: chr16-57884361-G-A. GRCh37 (hg19) VCF-style: chr16-57918265-G-A.
Other names: c.3541C>T, p.Arg1181Trp (NM_001286130.2); c.3559C>T (NM_001297.4); short protein forms R1181W, R1187W.
Identifiers: ClinVar variation 2182407 (VCV002182407.5), dbSNP rs564918974, ClinGen allele CA8082507.